The following is an entry in ClinVar:

ClinVar aggregate classification (germline): Uncertain significance. Review status: criteria provided, multiple submitters, no conflicts (2 of 4 stars). 6 submissions from 6 submitters: Uncertain significance (6). Last evaluated 2026-01-19.

Conditions:
Autosomal recessive limb-girdle muscular dystrophy type 2P. Also called: MUSCULAR DYSTROPHY-DYSTROGLYCANOPATHY, LIMB-GIRDLE, DAG1-RELATED; Limb-Girdle Muscular Dystrophy Type 9C; MUSCULAR DYSTROPHY, LIMB-GIRDLE, TYPE 2P. Identifiers: Orphanet 280333, MedGen C4511963, MONDO:0013440, OMIM 613818.
Muscular dystrophy-dystroglycanopathy (congenital with brain and eye anomalies), type A9. Also called: WALKER-WARBURG SYNDROME OR MUSCLE-EYE BRAIN DISEASE, DAG1-RELATED; Muscular dystrophy-dystroglycanopathy (congenital with brain and eye anomalies), type a, 9. Identifiers: Orphanet 370997, Orphanet 899, MedGen C4225291, MONDO:0014683, OMIM 616538.
Inborn genetic diseases. Identifiers: MedGen C0950123, MeSH D030342.

Allele frequency attached by ClinVar (database versions not stated): gnomAD 0.00005 and 0.00007; TOPMed 0.00005; ESP Exome Variant Server 0.00008; gnomAD exomes 0.00009 and 0.00011; ExAC 0.00010; 1000 Genomes Project 30x 0.00031; 1000 Genomes Project 0.00040.
gnomAD v4.1: 149 of 1,614,184 alleles (0.0092%); highest among the groups gnomAD compares: Middle Eastern, 0.082%; no homozygotes.

Submissions (6):

Labcorp Genetics (formerly Invitae), Labcorp
Classification: Uncertain significance for Autosomal recessive limb-girdle muscular dystrophy type 2P; Muscular dystrophy-dystroglycanopathy (congenital with brain and eye anomalies), type A9. Last evaluated: 2026-01-19. Review status: criteria provided, single submitter. Criteria: Invitae Variant Classification Sherloc (09022015). Collection method: clinical testing. Allele origin: germline.
Comment: This sequence change replaces proline, which is neutral and non-polar, with leucine, which is neutral and non-polar, at codon 62 of the DAG1 protein (p.Pro62Leu). This variant is present in population databases (rs375938350, gnomAD 0.02%). This variant has not been reported in the literature in individuals affected with DAG1-related conditions. ClinVar contains an entry for this variant (Variation ID: 282776). Invitae Evidence Modeling of protein sequence and biophysical properties (such as structural, functional, and spatial information, amino acid conservation, physicochemical variation, residue mobility, and thermodynamic stability) indicates that this missense variant is not expected to disrupt DAG1 protein function with a negative predictive value of 80%. In summary, the available evidence is currently insufficient to determine the role of this variant in disease. Therefore, it has been classified as a Variant of Uncertain Significance.

Revvity Omics, Revvity
Classification: Uncertain significance. Last evaluated: 2024-10-03. Review status: criteria provided, single submitter. Criteria: ACMG Guidelines, 2015. Collection method: clinical testing. Allele origin: germline.

Department of Pathology and Laboratory Medicine, Sinai Health System
Classification: Uncertain significance for Autosomal recessive limb-girdle muscular dystrophy type 2P; Muscular dystrophy-dystroglycanopathy (congenital with brain and eye anomalies), type A9. Last evaluated: 2023-02-26. Review status: criteria provided, single submitter. Criteria: ACMG Guidelines, 2015. Collection method: research. Allele origin: germline.

Ambry Genetics
Classification: Uncertain significance for Inborn genetic diseases. Last evaluated: 2022-06-09. Review status: criteria provided, single submitter. Criteria: Ambry Variant Classification Scheme 2023. Collection method: clinical testing. Allele origin: germline.

Eurofins Ntd Llc (ga)
Classification: Uncertain significance. Last evaluated: 2018-05-21. Review status: criteria provided, single submitter. Criteria: EGL ClinVar v180209 classification definitions. Collection method: clinical testing. Allele origin: germline. Observed: 4 variant alleles, 4 heterozygotes.

CeGaT Center for Human Genetics Tuebingen
Classification: Uncertain significance. Last evaluated: 2018-03-01. Review status: criteria provided, single submitter. Criteria: CeGaT Center For Human Genetics Tuebingen Variant Classification Criteria Version 2. Collection method: clinical testing. Allele origin: germline. Affected: yes. Observed: 1 variant allele.

NM_004393.6(DAG1):c.185C>T (p.Pro62Leu)

Gene: DAG1 (dystroglycan 1; plus strand). Cytogenetic location: 3p21.31.
Variant type: single nucleotide variant.
Coding change: c.185C>T on transcript NM_004393.6 (MANE Select); coding-DNA position 185, C replaced by T.
Protein change: p.Pro62Leu; replaces proline 62 with leucine.
Molecular consequence: missense variant.
Genome position (GRCh38, 1-based): chr3:49,510,719, C>T. VCF-style: chr3-49510719-C-T. GRCh37 (hg19) VCF-style: chr3-49548152-C-T.
Other names: c.185C>T (NM_004393.4); c.185C>T, p.Pro62Leu (NM_001177641.3, NM_001177642.3, NM_001177643.3 and 9 more transcripts); short protein forms P62L.
Identifiers: ClinVar variation 282776 (VCV000282776.57), dbSNP rs375938350, ClinGen allele CA2398837.